The following is an entry in ClinVar:

ClinVar aggregate classification (germline): Uncertain significance (1 of 4 stars; one submission).

Submission:

Ambry Genetics
Classification: Uncertain significance. Last evaluated: 2022-10-12. Review status: criteria provided, single submitter. Criteria: Ambry Variant Classification Scheme 2023. Collection method: clinical testing. Allele origin: germline.
Comment: The p.I306F variant (also known as c.916A>T), located in coding exon 7 of the RINT1 gene, results from an A to T substitution at nucleotide position 916. The isoleucine at codon 306 is replaced by phenylalanine, an amino acid with highly similar properties. This amino acid position is conserved. In addition, the in silico prediction for this alteration is inconclusive. Since supporting evidence is limited at this time, the clinical significance of this alteration remains unclear.

NM_021930.6(RINT1):c.916A>T (p.Ile306Phe)

Gene: RINT1 (RAD50 interactor 1; plus strand). Cytogenetic location: 7q22.3.
Variant type: single nucleotide variant.
Coding change: c.916A>T on transcript NM_021930.6 (MANE Select); coding-DNA position 916, A replaced by T.
Protein change: p.Ile306Phe; replaces isoleucine 306 with phenylalanine.
Molecular consequence: missense variant. On other transcripts: 5 prime UTR variant (2), non-coding transcript variant (1), intron variant (1).
Genome position (GRCh38, 1-based): chr7:105,548,630, A>T. VCF-style: chr7-105548630-A-T. GRCh37 (hg19) VCF-style: chr7-105189077-A-T.
Other names: c.682A>T, p.Ile228Phe (NM_001346599.2); c.-104A>T (NM_001346600.2); c.-9A>T (NM_001346601.2); c.-27-1425A>T (NM_001346603.2); short protein forms I228F, I306F.
Identifiers: ClinVar variation 1766029 (VCV001766029.2), dbSNP rs2485127802, ClinGen allele CA368807974.